The following is an entry in ClinVar:

ClinVar aggregate classification (germline): Benign/Likely benign. Review status: criteria provided, multiple submitters, no conflicts (2 of 4 stars). 4 submissions from 4 submitters: Benign (1); Likely benign (2). 1 of the submissions does not count toward it. Last evaluated 2026-07-01.

Conditions:
KMT2D-related disorder. Also called: KMT2D-Related Disorders.
Inborn genetic diseases. Identifiers: MedGen C0950123, MeSH D030342.
Kabuki syndrome. Also called: NIIKAWA-KUROKI SYNDROME; Kabuki make-up syndrome. Identifiers: Orphanet 2322, MedGen C0796004, MONDO:0016512.

Allele frequency attached by ClinVar (database versions not stated): ExAC 0.00002.

Submissions (4):

CeGaT Center for Human Genetics Tuebingen
Classification: Likely benign. Last evaluated: 2026-07-01. Review status: criteria provided, single submitter. Criteria: CeGaT Center For Human Genetics Tuebingen Variant Classification Criteria Version 2. Collection method: clinical testing. Allele origin: germline. Affected: yes. Observed: 1 variant allele.
Comment: KMT2D: BP4

Labcorp Genetics (formerly Invitae), Labcorp
Classification: Benign for Kabuki syndrome. Last evaluated: 2025-09-21. Review status: criteria provided, single submitter. Criteria: Invitae Variant Classification Sherloc (09022015). Collection method: clinical testing. Allele origin: germline.

Ambry Genetics
Classification: Likely benign for Inborn genetic diseases. Last evaluated: 2022-01-19. Review status: criteria provided, single submitter. Criteria: Ambry Variant Classification Scheme 2023. Collection method: clinical testing. Allele origin: germline.

PreventionGenetics, part of Exact Sciences
Classification: Uncertain significance for KMT2D-related condition. Last evaluated: 2024-09-24. Review status: no assertion criteria provided. Collection method: clinical testing. Allele origin: germline. Not counted in ClinVar's aggregate classification.
Comment: The KMT2D c.2288C>T variant is predicted to result in the amino acid substitution p.Pro763Leu. To our knowledge, this variant has not been reported in the literature. This variant is reported in 0.0033% of alleles in individuals of European (Non-Finnish) descent in gnomAD. At this time, the clinical significance of this variant is uncertain due to the absence of conclusive functional and genetic evidence.

NM_003482.4(KMT2D):c.2288C>T (p.Pro763Leu)

Gene: KMT2D (lysine methyltransferase 2D; minus strand). Cytogenetic location: 12q13.12.
Variant type: single nucleotide variant.
Coding change: c.2288C>T on transcript NM_003482.4 (MANE Select); coding-DNA position 2288, C replaced by T.
Protein change: p.Pro763Leu; replaces proline 763 with leucine.
Molecular consequence: missense variant.
Genome position (GRCh38, 1-based): chr12:49,051,395, G>A on the plus strand (C>T on the coding strand, the complement: KMT2D is on the minus strand). VCF-style: chr12-49051395-G-A. GRCh37 (hg19) VCF-style: chr12-49445178-G-A.
Other names: short protein forms P763L.
Identifiers: ClinVar variation 2080065 (VCV002080065.7), dbSNP rs771291128, ClinGen allele CA6548293.